The following is an entry in ClinVar:

ClinVar aggregate classification (germline): Uncertain significance (1 of 4 stars; one submission).

Conditions:
Nemaline myopathy 5 (NEM5A). Also called: NEMALINE MYOPATHY 5A, AUTOSOMAL RECESSIVE, SEVERE INFANTILE; NEMALINE MYOPATHY, AMISH TYPE; Nemaline myopathy 5, Amish type. Identifiers: Orphanet 98902, MedGen C1854380, MONDO:0011539, OMIM 605355.

Allele frequency attached by ClinVar (database versions not stated): ESP Exome Variant Server 0.00015.
gnomAD v4.1: 54 of 1,613,436 alleles (0.0033%); highest among the groups gnomAD compares: African/African-American, 0.072%; no homozygotes.

Submission:

Labcorp Genetics (formerly Invitae), Labcorp
Classification: Uncertain significance for Nemaline myopathy 5. Last evaluated: 2022-01-05. Review status: criteria provided, single submitter. Criteria: Invitae Variant Classification Sherloc (09022015). Collection method: clinical testing. Allele origin: germline.
Comment: This sequence change replaces arginine, which is basic and polar, with serine, which is neutral and polar, at codon 39 of the TNNT1 protein (p.Arg39Ser). This variant is present in population databases (rs139279150, gnomAD 0.08%). This variant has not been reported in the literature in individuals affected with TNNT1-related conditions. Algorithms developed to predict the effect of missense changes on protein structure and function are either unavailable or do not agree on the potential impact of this missense change (SIFT: "Tolerated"; PolyPhen-2: "Not Available"; Align-GVGD: "Class C0"). In summary, the available evidence is currently insufficient to determine the role of this variant in disease. Therefore, it has been classified as a Variant of Uncertain Significance.

NM_003283.6(TNNT1):c.115C>A (p.Arg39Ser)

Gene: TNNT1 (troponin T1, slow skeletal type; minus strand). Cytogenetic location: 19q13.42.
Variant type: single nucleotide variant.
Coding change: c.115C>A on transcript NM_003283.6 (MANE Select); coding-DNA position 115, C replaced by A.
Protein change: p.Arg39Ser; replaces arginine 39 with serine.
Molecular consequence: missense variant.
Genome position (GRCh38, 1-based): chr19:55,145,557, G>T on the plus strand (C>A on the coding strand, the complement: TNNT1 is on the minus strand). VCF-style: chr19-55145557-G-T. GRCh37 (hg19) VCF-style: chr19-55656925-G-T.
Other names: c.115C>A, p.Arg39Ser (NM_001126132.3); c.82C>A, p.Arg28Ser (NM_001126133.3, NM_001291774.2); short protein forms R39S, R28S.
Identifiers: ClinVar variation 2065451 (VCV002065451.1), dbSNP rs139279150, ClinGen allele CA9667599.